The following is an entry in ClinVar:

ClinVar aggregate classification (germline): Uncertain significance (1 of 4 stars; one submission).

Conditions:
De Lange syndrome (CDLS). Also called: Cornelia de Lange syndrome; CDL. Identifiers: Orphanet 199, MedGen C0270972, MONDO:0016033.

gnomAD v4.1: 1 of 1,614,158 alleles (0.000062%); highest among the groups gnomAD compares: East Asian, 0.0022%; no homozygotes.

Submission:

Molecular Genetics, Royal Melbourne Hospital
Classification: Uncertain significance for De Lange syndrome. Last evaluated: 2024-12-06. Review status: criteria provided, single submitter. Criteria: ACMG Guidelines, 2015. Collection method: clinical testing. Allele origin: germline. Inheritance: Autosomal dominant inheritance.
Comment: This sequence change in SMC3 is predicted to replace tyrosine with cysteine at codon 547, p.(Tyr547Cys). The tyrosine residue is highly conserved (100 vertebrates, Multiz Alignments), and is located in the SMC hinge domain. There is a large physicochemical difference between tyrosine and cysteine. SMC3, in which the variant was identified, is a gene significantly constrained for missense variation and where pathogenic missense variants are a common mechanism of disease (gnomAD v4.1). This variant is present in a single East Asian individual in the population database gnomAD v4.1 (1/44,864 alleles). To our knowledge, this variant has not been previously reported in the relevant scientific literature or databases. Computational evidence predicts a deleterious effect for the missense substitution (REVEL = 0.759) and predicts no impact on splicing (SpliceAI) for the nucleotide change. Based on the classification scheme RMH Modified ACMG/AMP Guidelines v1.7.0, this variant is classified as a VARIANT OF UNCERTAIN SIGNIFICANCE. Following criteria are met: PM2_Supporting, PP2, PP3.

NM_005445.4(SMC3):c.1640A>G (p.Tyr547Cys)

Gene: SMC3 (structural maintenance of chromosomes 3; plus strand). Cytogenetic location: 10q25.2.
Variant type: single nucleotide variant.
Coding change: c.1640A>G on transcript NM_005445.4 (MANE Select); coding-DNA position 1640, A replaced by G.
Protein change: p.Tyr547Cys; replaces tyrosine 547 with cysteine.
Molecular consequence: missense variant.
Genome position (GRCh38, 1-based): chr10:110,590,542, A>G. VCF-style: chr10-110590542-A-G. GRCh37 (hg19) VCF-style: chr10-112350300-A-G.
Other names: short protein forms Y547C.
Identifiers: ClinVar variation 3773748 (VCV003773748.1).